The following is an entry in ClinVar:

NM_004656.4(BAP1):c.370C>T (p.Pro124Ser)

Gene: BAP1 (BRCA1 associated deubiquitinase 1; minus strand). Cytogenetic location: 3p21.1.
Variant type: single nucleotide variant.
Coding change: c.370C>T on transcript NM_004656.4 (MANE Select); coding-DNA position 370, C replaced by T.
Protein change: p.Pro124Ser; replaces proline 124 with serine.
Molecular consequence: missense variant.
Genome position (GRCh38, 1-based): chr3:52,407,963, G>A on the plus strand (C>T on the coding strand, the complement: BAP1 is on the minus strand). VCF-style: chr3-52407963-G-A. GRCh37 (hg19) VCF-style: chr3-52441979-G-A.
Other names: short protein forms P124S.
Identifiers: ClinVar variation 628201 (VCV000628201.12), dbSNP rs1476956421, ClinGen allele CA353111669.

ClinVar aggregate classification (germline): Uncertain significance. Review status: criteria provided, multiple submitters, no conflicts (2 of 4 stars). 3 submissions from 3 submitters: Uncertain significance (3). Last evaluated 2024-03-21.

Conditions:
Hereditary cancer-predisposing syndrome. Also called: Neoplastic Syndromes, Hereditary; Tumor predisposition; Hereditary neoplastic syndrome; Hereditary Cancer Syndrome. Identifiers: Orphanet 140162, MedGen C0027672, MeSH D009386, MONDO:0015356.
BAP1-related tumor predisposition syndrome (TPDS1). Also called: Tumor susceptibility linked to germline BAP1 mutations; BAP1 tumor predisposition syndrome; TUMOR PREDISPOSITION SYNDROME 1; COMMON Syndrome. Identifiers: Orphanet 289539, MedGen C3280492, MONDO:0013692, OMIM 614327.

Allele frequency attached by ClinVar (database versions not stated): gnomAD exomes below 0.00001.
gnomAD v4.1: 2 of 1,613,748 alleles (0.00012%); highest among the groups gnomAD compares: South Asian, 0.0022%; no homozygotes.

Submissions (3):

Baylor Genetics
Classification: Uncertain significance for BAP1-related tumor predisposition syndrome. Last evaluated: 2024-03-21. Review status: criteria provided, single submitter. Criteria: ACMG Guidelines, 2015. Collection method: clinical testing. Allele origin: unknown.

Labcorp Genetics (formerly Invitae), Labcorp
Classification: Uncertain significance for BAP1-related tumor predisposition syndrome. Last evaluated: 2021-02-18. Review status: criteria provided, single submitter. Criteria: Invitae Variant Classification Sherloc (09022015). Collection method: clinical testing. Allele origin: germline.
Comment: This sequence change replaces proline with serine at codon 124 of the BAP1 protein (p.Pro124Ser). The proline residue is highly conserved and there is a moderate physicochemical difference between proline and serine. This variant is not present in population databases (ExAC no frequency). This variant has not been reported in the literature in individuals with BAP1-related conditions. ClinVar contains an entry for this variant (Variation ID: 628201). Algorithms developed to predict the effect of missense changes on protein structure and function (SIFT, PolyPhen-2, Align-GVGD) all suggest that this variant is likely to be disruptive, but these predictions have not been confirmed by published functional studies and their clinical significance is uncertain. In summary, the available evidence is currently insufficient to determine the role of this variant in disease. Therefore, it has been classified as a Variant of Uncertain Significance.

Color Diagnostics, LLC DBA Color Health
Classification: Uncertain significance for Hereditary cancer-predisposing syndrome. Last evaluated: 2019-06-26. Review status: criteria provided, single submitter. Criteria: ACMG Guidelines, 2015. Collection method: clinical testing. Allele origin: germline.